The following is an entry in ClinVar:

ClinVar aggregate classification (germline): Uncertain significance (1 of 4 stars; one submission).

Submission:

GeneDx
Classification: Uncertain significance. Last evaluated: 2025-02-03. Review status: criteria provided, single submitter. Criteria: GeneDx Variant Classification Process June 2021. Collection method: clinical testing. Allele origin: germline. Affected: yes.
Comment: Not observed at significant frequency in large population cohorts (gnomAD); In silico analysis indicates that this missense variant does not alter protein structure/function; Has not been previously published as pathogenic or benign to our knowledge

NM_017757.3(ZNF407):c.3998G>A (p.Ser1333Asn)

Gene: ZNF407 (zinc finger protein 407; plus strand). Cytogenetic location: 18q22.3.
Variant type: single nucleotide variant.
Coding change: c.3998G>A on transcript NM_017757.3 (MANE Select); coding-DNA position 3998, G replaced by A.
Protein change: p.Ser1333Asn; replaces serine 1333 with asparagine.
Molecular consequence: missense variant.
Genome position (GRCh38, 1-based): chr18:74,635,017, G>A. VCF-style: chr18-74635017-G-A. GRCh37 (hg19) VCF-style: chr18-72346973-G-A.
Other names: c.3998G>A, p.Ser1333Asn (NM_001146189.1, NM_001146190.1, NM_001384475.1); short protein forms S1333N.
Identifiers: ClinVar variation 4072802 (VCV004072802.1).